The following is an entry in ClinVar:

NM_199355.4(ADAMTS18):c.2771A>G (p.Lys924Arg)

Gene: ADAMTS18 (ADAM metallopeptidase with thrombospondin type 1 motif 18; minus strand). Cytogenetic location: 16q23.1.
Variant type: single nucleotide variant.
Coding change: c.2771A>G on transcript NM_199355.4 (MANE Select); coding-DNA position 2771, A replaced by G.
Protein change: p.Lys924Arg; replaces lysine 924 with arginine.
Molecular consequence: missense variant.
Genome position (GRCh38, 1-based): chr16:77,297,319, T>C on the plus strand (A>G on the coding strand, the complement: ADAMTS18 is on the minus strand). VCF-style: chr16-77297319-T-C. GRCh37 (hg19) VCF-style: chr16-77331216-T-C.
Other names: c.2255A>G, p.Lys752Arg (NM_001326358.2); c.2771A>G (NM_199355.2); short protein forms K752R, K924R.
Identifiers: ClinVar variation 1962450 (VCV001962450.4), dbSNP rs755511428, ClinGen allele CA8180753.

ClinVar aggregate classification (germline): Uncertain significance. Review status: criteria provided, multiple submitters, no conflicts (2 of 4 stars). 2 submissions from 2 submitters: Uncertain significance (2). Last evaluated 2023-08-08.

Conditions:
Inborn genetic diseases. Identifiers: MedGen C0950123, MeSH D030342.

gnomAD v4.1: 20 of 1,614,082 alleles (0.0012%); highest among the groups gnomAD compares: South Asian, 0.02%; no homozygotes.

Submissions (2):

Ambry Genetics
Classification: Uncertain significance for Inborn genetic diseases. Last evaluated: 2023-08-08. Review status: criteria provided, single submitter. Criteria: Ambry Variant Classification Scheme 2023. Collection method: clinical testing. Allele origin: germline.

Labcorp Genetics (formerly Invitae), Labcorp
Classification: Uncertain significance. Last evaluated: 2022-05-04. Review status: criteria provided, single submitter. Criteria: Invitae Variant Classification Sherloc (09022015). Collection method: clinical testing. Allele origin: germline.
Comment: This sequence change replaces lysine, which is basic and polar, with arginine, which is basic and polar, at codon 924 of the ADAMTS18 protein (p.Lys924Arg). This variant is present in population databases (rs755511428, gnomAD 0.02%). This variant has not been reported in the literature in individuals affected with ADAMTS18-related conditions. Algorithms developed to predict the effect of missense changes on protein structure and function output the following: SIFT: "Not Available"; PolyPhen-2: "Benign"; Align-GVGD: "Not Available". The arginine amino acid residue is found in multiple mammalian species, which suggests that this missense change does not adversely affect protein function. In summary, the available evidence is currently insufficient to determine the role of this variant in disease. Therefore, it has been classified as a Variant of Uncertain Significance.